The following is an entry in ClinVar:

ClinVar aggregate classification (germline): Uncertain significance (1 of 4 stars; one submission).

Conditions:
Multiple gastrointestinal atresias. Also called: FAMILIAL INTESTINAL POLYATRESIA SYNDROME; Multiple intestinal atresia. Identifiers: Orphanet 2300, MedGen C0220744, MONDO:0009465.

Allele frequency attached by ClinVar (database versions not stated): gnomAD exomes below 0.00001; ExAC 0.00001; gnomAD 0.00001.

Submission:

Labcorp Genetics (formerly Invitae), Labcorp
Classification: Uncertain significance for Multiple gastrointestinal atresias. Last evaluated: 2022-05-05. Review status: criteria provided, single submitter. Criteria: Invitae Variant Classification Sherloc (09022015). Collection method: clinical testing. Allele origin: germline.
Comment: This sequence change replaces methionine, which is neutral and non-polar, with valine, which is neutral and non-polar, at codon 154 of the TTC7A protein (p.Met154Val). This variant is present in population databases (rs778183105, gnomAD 0.003%). This variant has not been reported in the literature in individuals affected with TTC7A-related conditions. ClinVar contains an entry for this variant (Variation ID: 834742). Algorithms developed to predict the effect of missense changes on protein structure and function output the following: SIFT: "Tolerated"; PolyPhen-2: "Benign"; Align-GVGD: "Class C0". The valine amino acid residue is found in multiple mammalian species, which suggests that this missense change does not adversely affect protein function. In summary, the available evidence is currently insufficient to determine the role of this variant in disease. Therefore, it has been classified as a Variant of Uncertain Significance.

NM_020458.4(TTC7A):c.460A>G (p.Met154Val)

Gene: TTC7A (tetratricopeptide repeat domain 7A; plus strand). Cytogenetic location: 2p21.
Variant type: single nucleotide variant.
Coding change: c.460A>G on transcript NM_020458.4 (MANE Select); coding-DNA position 460, A replaced by G.
Protein change: p.Met154Val; replaces methionine 154 with valine.
Molecular consequence: missense variant. On other transcripts: 5 prime UTR variant (1).
Genome position (GRCh38, 1-based): chr2:46,956,950, A>G. VCF-style: chr2-46956950-A-G. GRCh37 (hg19) VCF-style: chr2-47184089-A-G.
Other names: c.460A>G, p.Met154Val (NM_001288951.2); c.358A>G, p.Met120Val (NM_001288953.2); c.-445A>G (NM_001288955.2); short protein forms M120V, M154V.
Identifiers: ClinVar variation 834742 (VCV000834742.8), dbSNP rs778183105, ClinGen allele CA1647165.